The following is an entry in ClinVar:

ClinVar aggregate classification (germline): Pathogenic (1 of 4 stars; one submission).

Allele frequency attached by ClinVar (database versions not stated): gnomAD exomes below 0.00001.

Submission:

Labcorp Genetics (formerly Invitae), Labcorp
Classification: Pathogenic. Last evaluated: 2022-08-24. Review status: criteria provided, single submitter. Criteria: Invitae Variant Classification Sherloc (09022015). Collection method: clinical testing. Allele origin: germline.
Comment: For these reasons, this variant has been classified as Pathogenic. This variant disrupts a region of the RDH5 protein in which other variant(s) (p.Leu310delinsGluVal) have been determined to be pathogenic (PMID: 11053295, 11675386, 15007239, 28393863). This suggests that this is a clinically significant region of the protein, and that variants that disrupt it are likely to be disease-causing. ClinVar contains an entry for this variant (Variation ID: 1324999). This variant has not been reported in the literature in individuals affected with RDH5-related conditions. This variant is not present in population databases (gnomAD no frequency). This sequence change creates a premature translational stop signal (p.Gly238Trpfs*21) in the RDH5 gene. While this is not anticipated to result in nonsense mediated decay, it is expected to disrupt the last 81 amino acid(s) of the RDH5 protein.

Literature cited by the submitters: PubMed 11053295; PubMed 11675386; PubMed 15007239; PubMed 28393863.

NM_002905.5(RDH5):c.711dup (p.Gly238fs)

Genes: BLOC1S1-RDH5 (BLOC1S1-RDH5 readthrough; plus strand), CD63 (CD63 molecule; minus strand), RDH5 (retinol dehydrogenase 5; plus strand). Cytogenetic location: 12q13.2.
Variant type: Duplication.
Coding change: c.711dup on transcript NM_002905.5 (MANE Select); coding-DNA position 711, one base duplicated (T; older notation c.711dupT).
Protein change: p.Gly238fs; shifts the reading frame from glycine 238.
Molecular consequence: frameshift variant. On other transcripts: non-coding transcript variant (1).
Genome position (GRCh38, 1-based): chr12:55,724,027, T duplicated. VCF-style (leftmost placement, unchanged base first): chr12-55724026-A-AT. GRCh37 (hg19) VCF-style: chr12-56117810-A-AT.
Other names: c.711dup, p.Gly238fs (NM_001199771.3); short protein forms G238fs.
Identifiers: ClinVar variation 1324999 (VCV001324999.6), dbSNP rs2136142315, ClinGen allele CA2573053725.
Genomic context (GRCh38, chr12:55,724,026, plus strand): 5'-GTCTGGAGAAAACCCTGCAGGCCTGCTGGGCACGGCTGCCTCCTGCCACACAGGCCCACT[A>AT]TGGGGGGGCCTTCCTCACCAAGTGTGAGTAGCCAGGCCCACACAGGGGCACATGAAGGGA-3'